The following is an entry in ClinVar:

NM_001354604.2(MITF):c.893C>T (p.Pro298Leu)

Gene: MITF (melanocyte inducing transcription factor; plus strand). Cytogenetic location: 3p13.
Variant type: single nucleotide variant.
Coding change: c.893C>T on transcript NM_001354604.2 (MANE Select); coding-DNA position 893, C replaced by T.
Protein change: p.Pro298Leu; replaces proline 298 with leucine.
Molecular consequence: missense variant. On other transcripts: intron variant (9).
Genome position (GRCh38, 1-based): chr3:69,951,824, C>T. VCF-style: chr3-69951824-C-T. GRCh37 (hg19) VCF-style: chr3-70000975-C-T.
Other names: c.572C>T, p.Pro191Leu (NM_000248.4); c.890C>T, p.Pro297Leu (NM_001354605.2); c.830-6C>T (NM_001354607.2); c.725-6C>T (NM_001354608.2, NM_001184967.2); c.881-6C>T (NM_198159.3); c.878-6C>T (NM_001354606.2, NM_006722.3); c.833-6C>T (NM_198177.3); c.560-6C>T (NM_198158.3); and 1 more; short protein forms P298L, P191L, P297L.
Identifiers: ClinVar variation 4055198 (VCV004055198.1).

ClinVar aggregate classification (germline): Uncertain significance (1 of 4 stars; one submission).

Conditions:
Hereditary cancer-predisposing syndrome. Also called: Neoplastic Syndromes, Hereditary; Tumor predisposition; Hereditary neoplastic syndrome; Hereditary Cancer Syndrome. Identifiers: Orphanet 140162, MedGen C0027672, MeSH D009386, MONDO:0015356.

Submission:

Ambry Genetics
Classification: Uncertain significance for Hereditary cancer-predisposing syndrome. Last evaluated: 2025-04-25. Review status: criteria provided, single submitter. Criteria: Ambry Variant Classification Scheme 2023. Collection method: clinical testing. Allele origin: germline.
Comment: The p.P191L variant (also known as c.572C>T), located in coding exon 6 of the MITF gene, results from a C to T substitution at nucleotide position 572. The proline at codon 191 is replaced by leucine, an amino acid with similar properties. This amino acid position is conserved. In addition, this alteration is predicted to be tolerated by in silico analysis. Based on the available evidence, the clinical significance of this variant remains unclear.